The following is an entry in ClinVar:

NM_002852.4(PTX3):c.475_477del (p.Thr159del)

Genes: PTX3 (pentraxin 3; plus strand), VEPH1 (ventricular zone expressed PH domain containing 1; minus strand). Cytogenetic location: 3q25.32.
Variant type: Deletion.
Coding change: c.475_477del on transcript NM_002852.4 (MANE Select); coding-DNA positions 475 to 477, 3 bases deleted (ACG; older notation c.475_477delACG).
Protein change: p.Thr159del; deletes threonine 159.
Molecular consequence: inframe deletion. On other transcripts: intron variant (3).
Genome position (GRCh38, 1-based): chr3:157,437,857-157,437,859, ACG deleted; deleting any 3 consecutive bases within chr3:157,437,856-157,437,859 gives the same sequence; the c. name uses the placement nearest the transcript's 3' end. VCF-style (leftmost placement, unchanged base first): chr3-157437855-AGAC-A. GRCh37 (hg19) VCF-style: chr3-157155644-AGAC-A.
Other names: c.530-9370_530-9368del (NM_001167911.2, NM_001167912.2, NM_024621.2); short protein forms T159del.
Identifiers: ClinVar variation 4991290 (VCV004991290.1).

ClinVar aggregate classification (germline): Uncertain significance (1 of 4 stars; one submission).

Conditions:
PTX3-related disorder. Also called: PTX3-related condition.

Submission:

PreventionGenetics, part of Exact Sciences
Classification: Uncertain significance for PTX3-related condition. Last evaluated: 2026-09-21. Review status: criteria provided, single submitter. Criteria: ACMG Guidelines, 2015. Collection method: clinical testing. Allele origin: germline.
Comment: The PTX3 c.475_477delACG variant is predicted to result in an in-frame deletion (p.Thr159del). To our knowledge, this variant has not been reported in the literature or in a large population database (gnomAD), indicating this variant is rare. At this time, the clinical significance of this variant is uncertain due to the absence of conclusive functional and genetic evidence.